The following is an entry in ClinVar:

ClinVar aggregate classification (germline): Uncertain significance. Review status: criteria provided, multiple submitters, no conflicts (2 of 4 stars). 3 submissions from 3 submitters: Uncertain significance (3). Last evaluated 2022-08-20.

Conditions:
Achondrogenesis, type IA (ACG1A). Identifiers: Orphanet 932, Orphanet 93299, MedGen C0265273, MONDO:0008701, OMIM 200600.

Allele frequency attached by ClinVar (database versions not stated): gnomAD 0.00001; TOPMed 0.00001; gnomAD exomes 0.00003; ExAC 0.00007; ESP Exome Variant Server 0.00008.
gnomAD v4.1: 42 of 1,613,488 alleles (0.0026%); highest among the groups gnomAD compares: East Asian, 0.02%; no homozygotes.

Submissions (3):

Labcorp Genetics (formerly Invitae), Labcorp
Classification: Uncertain significance for Achondrogenesis, type IA. Last evaluated: 2022-08-20. Review status: criteria provided, single submitter. Criteria: Invitae Variant Classification Sherloc (09022015). Collection method: clinical testing. Allele origin: germline.
Comment: This sequence change replaces valine, which is neutral and non-polar, with isoleucine, which is neutral and non-polar, at codon 1812 of the TRIP11 protein (p.Val1812Ile). This variant is present in population databases (rs139141533, gnomAD 0.01%). This variant has not been reported in the literature in individuals affected with TRIP11-related conditions. ClinVar contains an entry for this variant (Variation ID: 1409326). Algorithms developed to predict the effect of missense changes on protein structure and function output the following: SIFT: "Not Available"; PolyPhen-2: "Benign"; Align-GVGD: "Not Available". The isoleucine amino acid residue is found in multiple mammalian species, which suggests that this missense change does not adversely affect protein function. In summary, the available evidence is currently insufficient to determine the role of this variant in disease. Therefore, it has been classified as a Variant of Uncertain Significance.

Blueprint Genetics
Classification: Uncertain significance. Last evaluated: 2022-04-21. Review status: criteria provided, single submitter. Criteria: ACMG Guidelines, 2015. Collection method: clinical testing. Allele origin: germline.

Revvity Omics, Revvity
Classification: Uncertain significance. Last evaluated: 2021-10-04. Review status: criteria provided, single submitter. Criteria: ACMG Guidelines, 2015. Collection method: clinical testing. Allele origin: germline.

NM_004239.4(TRIP11):c.5434G>A (p.Val1812Ile)

Gene: TRIP11 (thyroid hormone receptor interactor 11; minus strand). Cytogenetic location: 14q32.12.
Variant type: single nucleotide variant.
Coding change: c.5434G>A on transcript NM_004239.4 (MANE Select); coding-DNA position 5434, G replaced by A.
Protein change: p.Val1812Ile; replaces valine 1812 with isoleucine.
Molecular consequence: missense variant.
Genome position (GRCh38, 1-based): chr14:91,975,195, C>T on the plus strand (G>A on the coding strand, the complement: TRIP11 is on the minus strand). VCF-style: chr14-91975195-C-T. GRCh37 (hg19) VCF-style: chr14-92441539-C-T.
Other names: c.5431G>A, p.Val1811Ile (NM_001321851.1); short protein forms V1811I, V1812I.
Identifiers: ClinVar variation 1409326 (VCV001409326.8), dbSNP rs139141533, ClinGen allele CA7313163.